The following is an entry in ClinVar:

NM_000059.4(BRCA2):c.6763A>G (p.Thr2255Ala)

Gene: BRCA2 (BRCA2 DNA repair associated; plus strand). Cytogenetic location: 13q13.1.
Variant type: single nucleotide variant.
Coding change: c.6763A>G on transcript NM_000059.4 (MANE Select); coding-DNA position 6763, A replaced by G.
Protein change: p.Thr2255Ala; replaces threonine 2255 with alanine.
Molecular consequence: missense variant. On other transcripts: non-coding transcript variant (1), intron variant (2).
Genome position (GRCh38, 1-based): chr13:32,341,118, A>G. VCF-style: chr13-32341118-A-G. GRCh37 (hg19) VCF-style: chr13-32915255-A-G.
Other names: c.6763A>G, p.Thr2255Ala (NM_001406719.1, NM_001406720.1, NM_001432077.1); c.1910-3440A>G (NM_001406721.1); c.425-3440A>G (NM_001406722.1); short protein forms T2255A.
Identifiers: ClinVar variation 3894058 (VCV003894058.1).
Genomic context (GRCh38, chr13:32,341,118, plus strand): 5'-ATGGAAGATGATGAACTGACAGATTCTAAACTGCCAAGTCATGCCACACATTCTCTTTTT[A>G]CATGTCCCGAAAATGAGGAAATGGTTTTGTCAAATTCAAGAATTGGAAAAAGAAGAGGAG-3'
Protein context (NP_000050.3, residues 2245-2265): LPSHATHSLF[Thr2255Ala]CPENEEMVLS

ClinVar aggregate classification (germline): Uncertain significance (1 of 4 stars; one submission).

Conditions:
Hereditary cancer-predisposing syndrome. Also called: Neoplastic Syndromes, Hereditary; Tumor predisposition; Hereditary Cancer Syndrome; Hereditary neoplastic syndrome. Identifiers: Orphanet 140162, MedGen C0027672, MeSH D009386, MONDO:0015356.

Submission:

Color Diagnostics, LLC DBA Color Health
Classification: Uncertain significance for Hereditary cancer-predisposing syndrome. Last evaluated: 2024-09-10. Review status: criteria provided, single submitter. Criteria: ACMG Guidelines, 2015. Collection method: clinical testing. Allele origin: germline.
Comment: This missense variant replaces threonine with alanine at codon 2255 of the BRCA2 protein. Computational prediction suggests that this variant may not impact protein structure and function. To our knowledge, functional studies have not been reported for this variant. This variant has not been reported in individuals affected with BRCA2-related disorders in the literature. This variant has not been identified in the general population by the Genome Aggregation Database (gnomAD). The available evidence is insufficient to determine the role of this variant in disease conclusively. Therefore, this variant is classified as a Variant of Uncertain Significance.